The following is an entry in ClinVar:

NM_145207.3(AFG2A):c.2017T>A (p.Ser673Thr)

Gene: AFG2A (AAA ATPase AFG2A; plus strand). Cytogenetic location: 4q28.1.
Variant type: single nucleotide variant.
Coding change: c.2017T>A on transcript NM_145207.3 (MANE Select); coding-DNA position 2017, T replaced by A.
Protein change: p.Ser673Thr; replaces serine 673 with threonine.
Molecular consequence: missense variant.
Genome position (GRCh38, 1-based): chr4:123,028,333, T>A. VCF-style: chr4-123028333-T-A. GRCh37 (hg19) VCF-style: chr4-123949488-T-A.
Other names: c.2014T>A, p.Ser672Thr (NM_001317799.2, NM_001345856.2); short protein forms S672T, S673T.
Identifiers: ClinVar variation 950755 (VCV000950755.6), dbSNP rs1729149072, ClinGen allele CA358102755.
Genomic context (GRCh38, chr4:123,028,333, plus strand): 5'-TTCATTCGAATGGGTATTCAGCCACCTAAAGGAGTTCTTCTCTATGGGCCACCTGGGTGC[T>A]CTAAAACAATGATAGCAAAGGCTTTGGCCAATGAGAGTGGACTGAATTTTCTAGCTATAA-3'
Protein context (NP_660208.2, residues 663-683): GVLLYGPPGC[Ser673Thr]KTMIAKALAN

ClinVar aggregate classification (germline): Uncertain significance (1 of 4 stars; one submission).

Conditions:
Microcephaly-intellectual disability-sensorineural hearing loss-epilepsy-abnormal muscle tone syndrome (NEDHSB). Also called: NEURODEVELOPMENTAL DISORDER WITH HEARING LOSS, SEIZURES, AND BRAIN ABNORMALITIES. Identifiers: Orphanet 457351, MedGen C4225276, MONDO:0014698, OMIM 616577.

Submission:

Labcorp Genetics (formerly Invitae), Labcorp
Classification: Uncertain significance for Microcephaly-intellectual disability-sensorineural hearing loss-epilepsy-abnormal muscle tone syndrome. Last evaluated: 2019-07-12. Review status: criteria provided, single submitter. Criteria: Invitae Variant Classification Sherloc (09022015). Collection method: clinical testing. Allele origin: germline.
Comment: Algorithms developed to predict the effect of missense changes on protein structure and function (SIFT, PolyPhen-2, Align-GVGD) all suggest that this variant is likely to be disruptive, but these predictions have not been confirmed by published functional studies and their clinical significance is uncertain. In summary, the available evidence is currently insufficient to determine the role of this variant in disease. Therefore, it has been classified as a Variant of Uncertain Significance. This sequence change replaces serine with threonine at codon 673 of the SPATA5 protein (p.Ser673Thr). The serine residue is highly conserved and there is a small physicochemical difference between serine and threonine. This variant is not present in population databases (ExAC no frequency). This variant has not been reported in the literature in individuals with SPATA5-related conditions.